The following is an entry in ClinVar:

NM_015215.4(CAMTA1):c.2981C>G (p.Thr994Arg)

Gene: CAMTA1 (calmodulin binding transcription activator 1; plus strand). Cytogenetic location: 1p36.23.
Variant type: single nucleotide variant.
Coding change: c.2981C>G on transcript NM_015215.4 (MANE Select); coding-DNA position 2981, C replaced by G.
Protein change: p.Thr994Arg; replaces threonine 994 with arginine.
Molecular consequence: missense variant.
Genome position (GRCh38, 1-based): chr1:7,732,514, C>G. VCF-style: chr1-7732514-C-G. GRCh37 (hg19) VCF-style: chr1-7792574-C-G.
Other names: c.2891C>G, p.Thr964Arg (NM_001349608.2, NM_001349612.2); c.2981C>G, p.Thr994Arg (NM_001349609.2, NM_001349610.2, NM_001410737.1); c.110C>G, p.Thr37Arg (NM_001349613.1); c.53C>G, p.Thr18Arg (NM_001349614.1, NM_001349615.2, NM_001349616.2 and 10 more transcripts); c.2909C>G, p.Thr970Arg (NM_001410738.1); short protein forms T18R, T37R, T964R, T970R, T994R.
Identifiers: ClinVar variation 2664933 (VCV002664933.1), dbSNP rs533579152, ClinGen allele CA338142261.

ClinVar aggregate classification (germline): Uncertain significance (1 of 4 stars; one submission).

Conditions:
Cerebellar dysfunction with variable cognitive and behavioral abnormalities (CECBA). Also called: Nonprogressive cerebellar atxia with intellectual disability. Identifiers: Orphanet 314647, MedGen C3553661, MONDO:0013886, OMIM 614756.

gnomAD v4.1: 2 of 1,613,846 alleles (0.00012%); highest among the groups gnomAD compares: South Asian, 0.0011%; no homozygotes.

Submission:

Neuberg Centre For Genomic Medicine, NCGM
Classification: Uncertain significance for Cerebellar dysfunction with variable cognitive and behavioral abnormalities. Last evaluated: 2023-03-01. Review status: criteria provided, single submitter. Criteria: ACMG Guidelines, 2015. Collection method: clinical testing. Allele origin: germline. Inheritance: Autosomal dominant inheritance. Affected: yes.
Comment: The missense c.2981C>G(p.Thr994Arg) variant in CAMTA1 gene has not been reported previously as a pathogenic variant nor as a benign variant, to our knowledge. The p.Thr994Arg variant is novel (not in any individuals) in gnomAD Exomes and 1000 Genomes. This variant has not been reported to the ClinVar database. The amino acid change p.Thr994Arg in CAMTA1 is predicted as conserved by GERP++ and PhyloP across 100 vertebrates. The amino acid Thr at position 994 is changed to a Arg changing protein sequence and it might alter its composition and physico-chemical properties. For these reasons, this variant has been classified as Variant of Uncertain Significance (VUS).